The following is an entry in ClinVar:

NM_032383.5(HPS3):c.1509+1G>A

Gene: HPS3 (HPS3 biogenesis of lysosomal organelles complex 2 subunit 1; plus strand). Cytogenetic location: 3q24.
Variant type: single nucleotide variant.
Coding change: c.1509+1G>A on transcript NM_032383.5 (MANE Select); the canonical splice donor site of the intron after coding-DNA position 1509, G replaced by A.
Molecular consequence: splice donor variant.
Genome position (GRCh38, 1-based): chr3:149,155,216, G>A. VCF-style: chr3-149155216-G-A. GRCh37 (hg19) VCF-style: chr3-148873003-G-A.
Other names: c.1014+1G>A (NM_001308258.2).
Identifiers: ClinVar variation 1067441 (VCV001067441.10), dbSNP rs746906314, ClinGen allele CA2660106.

ClinVar aggregate classification (germline): Likely pathogenic. Review status: criteria provided, multiple submitters, no conflicts (2 of 4 stars). 4 submissions from 4 submitters: Likely pathogenic (4). Last evaluated 2025-11-09.

Conditions:
Hermansky-Pudlak syndrome 3 (HPS3). Identifiers: Orphanet 231512, Orphanet 79430, MedGen C3888001, MONDO:0013555, OMIM 614072.

Allele frequency attached by ClinVar (database versions not stated): gnomAD exomes below 0.00001; ExAC 0.00001.
gnomAD v4.1: 2 of 1,419,574 alleles (0.00014%); highest among the groups gnomAD compares: South Asian, 0.0012%; no homozygotes.

Submissions (4):

Labcorp Genetics (formerly Invitae), Labcorp
Classification: Likely pathogenic. Last evaluated: 2025-11-09. Review status: criteria provided, single submitter. Criteria: Invitae Variant Classification Sherloc (09022015). Collection method: clinical testing. Allele origin: germline.
Comment: This sequence change affects a donor splice site in intron 8 of the HPS3 gene. It is expected to disrupt RNA splicing. Variants that disrupt the donor or acceptor splice site typically lead to a loss of protein function (PMID: 16199547), and loss-of-function variants in HPS3 are known to be pathogenic (PMID: 11590544). The frequency data for this variant in the population databases is considered unreliable, as metrics indicate poor data quality at this position in the gnomAD database. This variant has not been reported in the literature in individuals affected with HPS3-related conditions. ClinVar contains an entry for this variant (Variation ID: 1067441). Algorithms developed to predict the effect of sequence changes on RNA splicing suggest that this variant may disrupt the consensus splice site. In summary, the currently available evidence indicates that the variant is pathogenic, but additional data are needed to prove that conclusively. Therefore, this variant has been classified as Likely Pathogenic.

Kasturba Medical College, Manipal, Kasturba Medical College, Manipal, Manipal Academy of Higher Education, Manipal, India
Classification: Likely pathogenic for Hermansky-Pudlak syndrome 3. Last evaluated: 2025-10-30. Review status: criteria provided, single submitter. Criteria: ACMG Guidelines, 2015. Collection method: research. Allele origin: biparental. Inheritance: Autosomal recessive inheritance. Affected: yes. Observed: 1 homozygote.
Comment: The variant is absent from individuals in homozygous state and present in two individuals in heterozygous state in the population database, gnomAD v4.1.0. The variant is absent in homozygous state but present in four individuals in heterozygous state in our in-house database of 3,822 exomes. This canonical splice-site variant likely results in aberrant splicing which may lead to either the formation of a truncated protein product or the transcript to undergo nonsense mediated mRNA decay.

Fulgent Genetics
Classification: Likely pathogenic for Hermansky-Pudlak syndrome 3. Last evaluated: 2024-06-23. Review status: criteria provided, single submitter. Criteria: ACMG Guidelines, 2015. Collection method: clinical testing. Allele origin: germline.

Revvity Omics, Revvity
Classification: Likely pathogenic for Hermansky-Pudlak syndrome 3. Last evaluated: 2022-08-24. Review status: criteria provided, single submitter. Criteria: ACMG Guidelines, 2015. Collection method: clinical testing. Allele origin: germline.

Literature cited by the submitters: PubMed 16199547 (cited by Labcorp Genetics (formerly Invitae), Labcorp); PubMed 11590544 (cited by Labcorp Genetics (formerly Invitae), Labcorp).